The following is an entry in ClinVar:

NC_000007.13:g.(?_55223561)_(55233842_?)del

Gene: EGFR (epidermal growth factor receptor; plus strand). Cytogenetic location: 7p11.2.
Variant type: Deletion.
Identifiers: ClinVar variation 2425326 (VCV002425326.4).

ClinVar aggregate classification (germline): Pathogenic (1 of 4 stars; one submission).

Conditions:
EGFR-related lung cancer (EGFR). Identifiers: MedGen CN130014.

Submission:

Labcorp Genetics (formerly Invitae), Labcorp
Classification: Pathogenic for EGFR-related lung cancer. Last evaluated: 2022-02-25. Review status: criteria provided, single submitter. Criteria: Invitae Variant Classification Sherloc (09022015). Collection method: clinical testing. Allele origin: germline.
Comment: For these reasons, this variant has been classified as Pathogenic. This variant disrupts a region of the EGFR protein in which other variant(s) (p.Gly428Asp) have been determined to be pathogenic (PMID: 24691054, 26436111, 32602142). This suggests that this is a clinically significant region of the protein, and that variants that disrupt it are likely to be disease-causing. This variant has not been reported in the literature in individuals affected with EGFR-related conditions. This variant results in the deletion of exons 9-15 and part of exon 8 (c.930_1880+714del) of the EGFR gene. It is expected to disrupt RNA splicing. Variants that disrupt the donor or acceptor splice site typically lead to a loss of protein function (PMID: 16199547), and loss-of-function variants in EGFR are known to be pathogenic (PMID: 7630400, 28726809, 29899996).

Literature cited by the submitters: PubMed 24691054; PubMed 26436111; PubMed 32602142; PubMed 16199547; PubMed 7630400; PubMed 28726809; PubMed 29899996.